The following is an entry in ClinVar:

NM_206933.4(USH2A):c.13283G>A (p.Gly4428Asp)

Gene: USH2A (usherin; minus strand). Cytogenetic location: 1q41.
Variant type: single nucleotide variant.
Coding change: c.13283G>A on transcript NM_206933.4 (MANE Select); coding-DNA position 13283, G replaced by A.
Protein change: p.Gly4428Asp; replaces glycine 4428 with aspartic acid.
Molecular consequence: missense variant.
Genome position (GRCh38, 1-based): chr1:215,674,628, C>T on the plus strand (G>A on the coding strand, the complement: USH2A is on the minus strand). VCF-style: chr1-215674628-C-T. GRCh37 (hg19) VCF-style: chr1-215847970-C-T.
Other names: short protein forms G4428D.
Identifiers: ClinVar variation 3233592 (VCV003233592.2), dbSNP rs1234273599, ClinGen allele CA344845873.
Genomic context (GRCh38, chr1:215,674,628, plus strand): 5'-TCCATGTTCTCTGGCAGGGCCTCCATTGTCCAGGCAGATTTTGACACACTAGCTGTGCAA[C>T]CTCCATTCGTGCAGGCTACAAGGGAGAAGTTATACTGAGAGTAAGGCTGCAGGTGGGAAA-3'
Protein context (NP_996816.3, residues 4418-4438): NFSLVACTNG[Gly4428Asp]CTASVSKSAW

ClinVar aggregate classification (germline): Uncertain significance (1 of 4 stars; one submission).

gnomAD v4.1: 2 of 1,614,138 alleles (0.00012%); highest among the groups gnomAD compares: Non-Finnish European, 0.00017%; no homozygotes.

Submission:

Women's Health and Genetics/Laboratory Corporation of America, LabCorp
Classification: Uncertain significance. Last evaluated: 2024-03-07. Review status: criteria provided, single submitter. Criteria: LabCorp Variant Classification Summary - May 2015. Collection method: clinical testing. Allele origin: germline.
Comment: Variant summary: USH2A c.13283G>A (p.Gly4428Asp) results in a non-conservative amino acid change located in the Fibronectin type III domain (IPR003961) of the encoded protein sequence. Five of five in-silico tools predict a damaging effect of the variant on protein function. The variant allele was found at a frequency of 4e-06 in 250912 control chromosomes (gnomAD). The available data on variant occurrences in the general population are insufficient to allow any conclusion about variant significance. c.13283G>A has been reported in the literature in an individual affected with non-syndromic retinitis pigmentosa who was reported as compound heterozygous with a pathogenic variant (Molina-Ramirez_2020). These data do not allow any conclusion about variant significance. To our knowledge, no experimental evidence demonstrating an impact on protein function has been reported. The following publication has been ascertained in the context of this evaluation (PMID: 32176120). No submitters have cited clinical-significance assessments for this variant to ClinVar. Based on the evidence outlined above, the variant was classified as uncertain significance.

Literature cited by the submitters: PubMed 32176120.